The following is an entry in ClinVar:

NM_004329.3(BMPR1A):c.1017del (p.Cys340fs)

Gene: BMPR1A (bone morphogenetic protein receptor type 1A; plus strand). Cytogenetic location: 10q23.2.
Variant type: Deletion.
Coding change: c.1017del on transcript NM_004329.3 (MANE Select); coding-DNA position 1017, one base deleted (C; older notation c.1017delC).
Protein change: p.Cys340fs; shifts the reading frame from cysteine 340.
Molecular consequence: frameshift variant. On other transcripts: non-coding transcript variant (3).
Genome position (GRCh38, 1-based): chr10:86,919,320, C deleted; the last of 2 consecutive C bases (chr10:86,919,319-86,919,320); deleting either gives the same sequence. VCF-style (leftmost placement, unchanged base first): chr10-86919318-GC-G. GRCh37 (hg19) VCF-style: chr10-88679075-GC-G.
Other names: c.1017del, p.Cys340fs (NM_001406579.1, NM_001406580.1, NM_001406581.1 and 19 more transcripts); c.1011del, p.Cys338fs (NM_001406583.1); c.933del, p.Cys312fs (NM_001406584.1, NM_001406585.1, NM_001406586.1 and 2 more transcripts); c.675del, p.Cys226fs (NM_001406589.1); c.1092del, p.Cys365fs (NM_001406559.1); c.1065del, p.Cys356fs (NM_001406560.1); short protein forms C226fs, C338fs, C340fs, C365fs, C356fs, C312fs.
Identifiers: ClinVar variation 4842482 (VCV004842482.1).

ClinVar aggregate classification (germline): Pathogenic (1 of 4 stars; one submission).

Conditions:
Hereditary cancer-predisposing syndrome. Also called: Neoplastic Syndromes, Hereditary; Tumor predisposition; Hereditary Cancer Syndrome; Hereditary neoplastic syndrome. Identifiers: Orphanet 140162, MedGen C0027672, MeSH D009386, MONDO:0015356.

Submission:

Ambry Genetics
Classification: Pathogenic for Hereditary cancer-predisposing syndrome. Last evaluated: 2026-01-07. Review status: criteria provided, single submitter. Criteria: Ambry Variant Classification Scheme 2023. Collection method: clinical testing. Allele origin: germline.
Comment: The c.1017delC pathogenic mutation, located in coding exon 8 of the BMPR1A gene, results from a deletion of one nucleotide at nucleotide position 1017, causing a translational frameshift with a predicted alternate stop codon (p.C340Vfs*24). This variant is considered to be rare based on population cohorts in the Genome Aggregation Database (gnomAD). This alteration is expected to result in loss of function by premature protein truncation or nonsense-mediated mRNA decay. As such, this alteration is interpreted as a disease-causing mutation.